The following is an entry in ClinVar:

NM_001943.5(DSG2):c.1195G>A (p.Glu399Lys)

Gene: DSG2 (desmoglein 2; plus strand). Cytogenetic location: 18q12.1.
Variant type: single nucleotide variant.
Coding change: c.1195G>A on transcript NM_001943.5 (MANE Select); coding-DNA position 1195, G replaced by A.
Protein change: p.Glu399Lys; replaces glutamic acid 399 with lysine.
Molecular consequence: missense variant.
Genome position (GRCh38, 1-based): chr18:31,531,167, G>A. VCF-style: chr18-31531167-G-A. GRCh37 (hg19) VCF-style: chr18-29111130-G-A.
Other names: p.E399K:GAG>AAG; c.1195G>A (NM_001943.4, LRG_397t1); short protein forms E399K.
Identifiers: ClinVar variation 199807 (VCV000199807.19), dbSNP rs774863785, ClinGen allele CA021301.

ClinVar aggregate classification (germline): Uncertain significance. Review status: criteria provided, multiple submitters, no conflicts (2 of 4 stars). 8 submissions from 8 submitters: Uncertain significance (8). Last evaluated 2025-12-08.

Conditions:
Cardiovascular phenotype. Identifiers: MedGen CN230736.
Arrhythmogenic right ventricular cardiomyopathy (ARVD). Also called: Arrhythmogenic cardiomyopathy; Cardiomyopathy, ARVC; Arrhythmogenic right ventricular dysplasia; Arrhythmogenic Right Ventricular Cardiomyopathy (ARVC). Identifiers: Orphanet 247, MedGen C0349788, MeSH D019571, MONDO:0016587. Disease mechanism: loss of function. Inheritance: Various modes of inheritance.
Cardiomyopathy (CMYO). Also called: Cardiomyopathies. Identifiers: Orphanet 167848, MedGen C0878544, MONDO:0004994, HP:0001638. Inheritance: Various modes of inheritance.
Arrhythmogenic right ventricular dysplasia 10. Also called: ARRHYTHMOGENIC RIGHT VENTRICULAR DYSPLASIA, FAMILIAL, 10; Arrhythmogenic right ventricular dysplasia/cardiomyopathy, type 10; Arrhythmogenic Right Ventricular Dysplasia/Cardiomyopathy10. Identifiers: MedGen C1857777, MONDO:0012434, OMIM 610193.

Allele frequency attached by ClinVar (database versions not stated): gnomAD exomes 0.00002; TOPMed 0.00002; ExAC 0.00003.

Submissions (8):

Labcorp Genetics (formerly Invitae), Labcorp
Classification: Uncertain significance for Arrhythmogenic right ventricular dysplasia 10. Last evaluated: 2025-12-08. Review status: criteria provided, single submitter. Criteria: Invitae Variant Classification Sherloc (09022015). Collection method: clinical testing. Allele origin: germline.
Comment: This sequence change replaces glutamic acid, which is acidic and polar, with lysine, which is basic and polar, at codon 399 of the DSG2 protein (p.Glu399Lys). This variant is present in population databases (rs774863785, gnomAD 0.007%). This missense change has been observed in individual(s) with dilated cardiomyopathy (PMID: 32826072). ClinVar contains an entry for this variant (Variation ID: 199807). Invitae Evidence Modeling of protein sequence and biophysical properties (such as structural, functional, and spatial information, amino acid conservation, physicochemical variation, residue mobility, and thermodynamic stability) indicates that this missense variant is not expected to disrupt DSG2 protein function with a negative predictive value of 95%. In summary, the available evidence is currently insufficient to determine the role of this variant in disease. Therefore, it has been classified as a Variant of Uncertain Significance.

Molecular Diagnostic Laboratory for Inherited Cardiovascular Disease, Montreal Heart Institute
Classification: Uncertain significance for Cardiovascular phenotype. Last evaluated: 2025-04-09. Review status: criteria provided, single submitter. Criteria: ACMG Guidelines, 2015. Collection method: clinical testing. Allele origin: germline. Affected: yes.

All of Us Research Program, National Institutes of Health
Classification: Uncertain significance for Arrhythmogenic right ventricular cardiomyopathy. Last evaluated: 2024-07-29. Review status: criteria provided, single submitter. Criteria: ACMG Guidelines, 2015. Collection method: clinical testing. Allele origin: germline. Inheritance: Autosomal dominant inheritance. Observed: 6 variant alleles, 6 heterozygotes.
Comment: This missense variant replaces glutamic acid with lysine at codon 399 of the DSG2 protein. Computational prediction suggests that this variant may not impact protein structure and function (internally defined REVEL score threshold <= 0.5, PMID: 27666373). To our knowledge, functional studies have not been reported for this variant. This variant has been reported in an individual affected with dilated cardiomyopathy and also in an unaffected relative in the family (PMID: 32826072). This variant has been identified in 6/249404 chromosomes in the general population by the Genome Aggregation Database (gnomAD). The available evidence is insufficient to determine the role of this variant in disease conclusively. Therefore, this variant is classified as a Variant of Uncertain Significance.

This study involves interpretation of variants in research participants for the purpose of population health screening. Participant phenotype was not available at the time of variant classification. Additional details can be found in publication PMID: 35346344, PMCID: PMC8962531

Color Diagnostics, LLC DBA Color Health
Classification: Uncertain significance for Cardiomyopathy. Last evaluated: 2024-06-27. Review status: criteria provided, single submitter. Criteria: ACMG Guidelines, 2015. Collection method: clinical testing. Allele origin: germline.
Comment: This missense variant replaces glutamic acid with lysine at codon 399 of the DSG2 protein. Computational prediction suggests that this variant may not impact protein structure and function (internally defined REVEL score threshold <= 0.5, PMID: 27666373). To our knowledge, functional studies have not been reported for this variant. This variant has been reported in an individual affected with dilated cardiomyopathy and also in an unaffected relative in the family (PMID: 32826072). This variant has been identified in 6/249404 chromosomes in the general population by the Genome Aggregation Database (gnomAD). The available evidence is insufficient to determine the role of this variant in disease conclusively. Therefore, this variant is classified as a Variant of Uncertain Significance.

Ambry Genetics
Classification: Uncertain significance for Cardiovascular phenotype. Last evaluated: 2024-04-12. Review status: criteria provided, single submitter. Criteria: Ambry Variant Classification Scheme 2023. Collection method: clinical testing. Allele origin: germline.
Comment: The p.E399K variant (also known as c.1195G>A), located in coding exon 9 of the DSG2 gene, results from a G to A substitution at nucleotide position 1195. The glutamic acid at codon 399 is replaced by lysine, an amino acid with similar properties. This alteration has been reported in a dilated cardiomyopathy (DCM) cohort (Pe&ntilde;a-Pe&ntilde;a ML et al. Med Clin (Barc), 2021 May;156:485-495). This amino acid position is highly conserved in available vertebrate species. In addition, this alteration is predicted to be deleterious by in silico analysis. Based on the available evidence, the clinical significance of this variant remains unclear.

Blueprint Genetics
Classification: Uncertain significance. Last evaluated: 2023-11-09. Review status: criteria provided, single submitter. Criteria: ACMG Guidelines, 2015. Collection method: clinical testing. Allele origin: germline.

GeneDx
Classification: Uncertain significance. Last evaluated: 2020-11-12. Review status: criteria provided, single submitter. Criteria: GeneDx Variant Classification Process June 2021. Collection method: clinical testing. Allele origin: germline. Affected: yes.
Comment: Has not been previously published as pathogenic or benign to our knowledge; In silico analysis supports that this missense variant does not alter protein structure/function

Breakthrough Genomics
Classification: Uncertain significance. Review status: criteria provided, single submitter. Criteria: ACMG Guidelines, 2015. Collection method: not provided. Allele origin: germline. Inheritance: Autosomal recessive inheritance. Affected: yes.

Literature cited by the submitters: PubMed 32826072 (cited by 4 submitters).